The following is an entry in ClinVar:

ClinVar aggregate classification (germline): Uncertain significance (1 of 4 stars; one submission).

Conditions:
Chédiak-Higashi syndrome (CHS). Also called: Chediak-Higashi Syndrome. Identifiers: Orphanet 167, MedGen C0007965, MONDO:0008963, OMIM 214500.

Submission:

Labcorp Genetics (formerly Invitae), Labcorp
Classification: Uncertain significance for Chédiak-Higashi syndrome. Last evaluated: 2021-10-24. Review status: criteria provided, single submitter. Criteria: Invitae Variant Classification Sherloc (09022015). Collection method: clinical testing. Allele origin: germline.
Comment: In summary, the available evidence is currently insufficient to determine the role of this variant in disease. Therefore, it has been classified as a Variant of Uncertain Significance. Algorithms developed to predict the effect of missense changes on protein structure and function output the following: SIFT: "Tolerated"; PolyPhen-2: "Benign"; Align-GVGD: "Class C0". The valine amino acid residue is found in multiple mammalian species, which suggests that this missense change does not adversely affect protein function. This variant has not been reported in the literature in individuals affected with LYST-related conditions. This variant is not present in population databases (gnomAD no frequency). This sequence change replaces leucine, which is neutral and non-polar, with valine, which is neutral and non-polar, at codon 1215 of the LYST protein (p.Leu1215Val).

NM_000081.4(LYST):c.3643T>G (p.Leu1215Val)

Gene: LYST (lysosomal trafficking regulator; minus strand). Cytogenetic location: 1q42.3.
Variant type: single nucleotide variant.
Coding change: c.3643T>G on transcript NM_000081.4 (MANE Select); coding-DNA position 3643, T replaced by G.
Protein change: p.Leu1215Val; replaces leucine 1215 with valine.
Molecular consequence: missense variant.
Genome position (GRCh38, 1-based): chr1:235,802,977, A>C on the plus strand (T>G on the coding strand, the complement: LYST is on the minus strand). VCF-style: chr1-235802977-A-C. GRCh37 (hg19) VCF-style: chr1-235966277-A-C.
Other names: c.3643T>G, p.Leu1215Val (NM_001301365.1); short protein forms L1215V.
Identifiers: ClinVar variation 1497502 (VCV001497502.3), dbSNP rs945111121, ClinGen allele CA344946765.